The following is an entry in ClinVar:

ClinVar aggregate classification (germline): Likely pathogenic. Review status: criteria provided, single submitter (1 of 4 stars). 2 submissions from 2 submitters: Likely pathogenic (1). 1 of the submissions does not count toward it. Last evaluated 2026-07-01.

Conditions:
Dilated cardiomyopathy 1G (CMD1G). Identifiers: Orphanet 154, MedGen C1858763, MONDO:0011400, OMIM 604145.

Submissions (2):

CeGaT Center for Human Genetics Tuebingen
Classification: Likely pathogenic. Last evaluated: 2026-07-01. Review status: criteria provided, single submitter. Criteria: CeGaT Center For Human Genetics Tuebingen Variant Classification Criteria Version 2. Collection method: clinical testing. Allele origin: germline. Affected: yes. Observed: 1 variant allele.
Comment: TTN: PVS1:Strong, PM2

Cardiogenetics and Myogenetics Molecular and Cellular Functional Unit, Aphp Sorbonne University-Hopital Pitie Salpetriere
Classification: Likely pathogenic for Dilated cardiomyopathy 1G. Last evaluated: 2024-01-06. Review status: no assertion criteria provided. Collection method: clinical testing. Allele origin: germline. Affected: yes. Not counted in ClinVar's aggregate classification.

NM_001267550.2(TTN):c.66305G>A (p.Trp22102Ter)

Genes: TTN (titin; minus strand), TTN-AS1 (TTN antisense RNA 1; plus strand). Cytogenetic location: 2q31.2.
Variant type: single nucleotide variant.
Coding change: c.66305G>A on transcript NM_001267550.2 (MANE Select); coding-DNA position 66305, G replaced by A.
Protein change: p.Trp22102Ter; replaces tryptophan 22102 with a stop codon.
Molecular consequence: nonsense.
Genome position (GRCh38, 1-based): chr2:178,582,064, C>T on the plus strand (G>A on the coding strand, the complement: TTN is on the minus strand). VCF-style: chr2-178582064-C-T. GRCh37 (hg19) VCF-style: chr2-179446791-C-T.
Other names: c.61382G>A, p.Trp20461Ter (NM_001256850.1); c.39110G>A, p.Trp13037Ter (NM_003319.4); c.58601G>A, p.Trp19534Ter (NM_133378.4); c.39485G>A, p.Trp13162Ter (NM_133432.3); c.39686G>A, p.Trp13229Ter (NM_133437.4); short protein forms W13037*, W13162*, W13229*, W19534*, W20461*, W22102*.
Identifiers: ClinVar variation 3362929 (VCV003362929.2).